The following is an entry in ClinVar:

NM_138459.5(NUS1):c.501C>G (p.Tyr167Ter)

Gene: NUS1 (NUS1 dehydrodolichyl diphosphate synthase subunit; plus strand). Cytogenetic location: 6q22.1.
Variant type: single nucleotide variant.
Coding change: c.501C>G on transcript NM_138459.5 (MANE Select); coding-DNA position 501, C replaced by G.
Protein change: p.Tyr167Ter; replaces tyrosine 167 with a stop codon.
Molecular consequence: nonsense.
Genome position (GRCh38, 1-based): chr6:117,693,127, C>G. VCF-style: chr6-117693127-C-G. GRCh37 (hg19) VCF-style: chr6-118014290-C-G.
Other names: short protein forms Y167*.
Identifiers: ClinVar variation 4861253 (VCV004861253.1).

ClinVar aggregate classification (germline): Pathogenic (1 of 4 stars; one submission).

Conditions:
Inborn genetic diseases. Identifiers: MedGen C0950123, MeSH D030342.

Submission:

Ambry Genetics
Classification: Pathogenic for Inborn genetic diseases. Last evaluated: 2026-04-16. Review status: criteria provided, single submitter. Criteria: Ambry Variant Classification Scheme 2023. Collection method: clinical testing. Allele origin: germline.
Comment: The c.501C>G (p.Y167*) alteration, located in exon 2 (coding exon 2) of the NUS1 gene, consists of a C to G substitution at nucleotide position 501. This changes the amino acid from a tyrosine (Y) to a stop codon at amino acid position 167. This variant is expected to result in loss of function by premature protein truncation or nonsense-mediated mRNA decay. This variant was not reported in population-based cohorts in the Genome Aggregation Database (gnomAD). Based on the available evidence, this alteration is classified as pathogenic.